The following is an entry in ClinVar:

NM_001458.5(FLNC):c.3165G>C (p.Glu1055Asp)

Gene: FLNC (filamin C; plus strand). Cytogenetic location: 7q32.1.
Variant type: single nucleotide variant.
Coding change: c.3165G>C on transcript NM_001458.5 (MANE Select); coding-DNA position 3165, G replaced by C.
Protein change: p.Glu1055Asp; replaces glutamic acid 1055 with aspartic acid.
Molecular consequence: missense variant.
Genome position (GRCh38, 1-based): chr7:128,844,239, G>C. VCF-style: chr7-128844239-G-C. GRCh37 (hg19) VCF-style: chr7-128484293-G-C.
Other names: c.3165G>C, p.Glu1055Asp (NM_001127487.2); short protein forms E1055D.
Identifiers: ClinVar variation 4812412 (VCV004812412.1).
Genomic context (GRCh38, chr7:128,844,239, plus strand): 5'-CTACAAGGTGGATATCACCTACGATGGTCACCCGGTGCCTGGCAGCCCGTTTGCTGTGGA[G>C]GGTGTCCTGCCCCCTGATCCCTCCAAGGTGAGGAGATAGGAGCTGGTTGGGGCTGGGAGT-3'
Protein context (NP_001449.3, residues 1045-1065): HPVPGSPFAV[Glu1055Asp]GVLPPDPSKV

ClinVar aggregate classification (germline): Uncertain significance (1 of 4 stars; one submission).

Conditions:
Hypertrophic cardiomyopathy 26. Also called: Cardiomyopathy, familial hypertrophic, 26. Identifiers: Orphanet 75249, MedGen C4310749, MONDO:0014883, OMIM 617047.
Myofibrillar myopathy 5. Also called: Filaminopathy (type); FILAMINOPATHY, AUTOSOMAL DOMINANT. Identifiers: Orphanet 171445, MedGen C1836050, MONDO:0012289, OMIM 609524.
Distal myopathy with posterior leg and anterior hand involvement. Also called: WILLIAMS DISTAL MYOPATHY. Identifiers: Orphanet 63273, MedGen C3279722, MONDO:0013550, OMIM 614065.

Submission:

Labcorp Genetics (formerly Invitae), Labcorp
Classification: Uncertain significance for Distal myopathy with posterior leg and anterior hand involvement; Myofibrillar myopathy 5; Hypertrophic cardiomyopathy 26. Last evaluated: 2025-12-01. Review status: criteria provided, single submitter. Criteria: Invitae Variant Classification Sherloc (09022015). Collection method: clinical testing. Allele origin: germline.
Comment: This sequence change replaces glutamic acid, which is acidic and polar, with aspartic acid, which is acidic and polar, at codon 1055 of the FLNC protein (p.Glu1055Asp). This variant is not present in population databases (gnomAD no frequency). This variant has not been reported in the literature in individuals affected with FLNC-related conditions. Invitae Evidence Modeling of protein sequence and biophysical properties (such as structural, functional, and spatial information, amino acid conservation, physicochemical variation, residue mobility, and thermodynamic stability) has been performed for this missense variant. However, the output from this modeling did not meet the statistical confidence thresholds required to predict the impact of this variant on FLNC protein function. In summary, the available evidence is currently insufficient to determine the role of this variant in disease. Therefore, it has been classified as a Variant of Uncertain Significance.